The following is an entry in ClinVar:

NM_033305.3(VPS13A):c.4284del (p.Glu1429fs)

Gene: VPS13A (vacuolar protein sorting 13 homolog A; plus strand). Cytogenetic location: 9q21.2.
Variant type: Deletion.
Coding change: c.4284del on transcript NM_033305.3 (MANE Select); coding-DNA position 4284, one base deleted (T; older notation c.4284delT).
Protein change: p.Glu1429fs; shifts the reading frame from glutamic acid 1429.
Molecular consequence: frameshift variant.
Genome position (GRCh38, 1-based): chr9:77,314,536, T deleted. VCF-style (leftmost placement, unchanged base first): chr9-77314535-CT-C. GRCh37 (hg19) VCF-style: chr9-79929451-CT-C.
Other names: c.4167del, p.Glu1390fs (NM_001018037.2); c.4284del, p.Glu1429fs (NM_001018038.3, NM_015186.4); short protein forms E1390fs, E1429fs.
Identifiers: ClinVar variation 1073923 (VCV001073923.7), dbSNP rs2131427592, ClinGen allele CA2499219961.

ClinVar aggregate classification (germline): Pathogenic (1 of 4 stars; one submission).

Allele frequency attached by ClinVar (database versions not stated): gnomAD exomes below 0.00001.

Submission:

Labcorp Genetics (formerly Invitae), Labcorp
Classification: Pathogenic. Last evaluated: 2021-10-31. Review status: criteria provided, single submitter. Criteria: Invitae Variant Classification Sherloc (09022015). Collection method: clinical testing. Allele origin: germline.
Comment: This sequence change creates a premature translational stop signal (p.Glu1429Asnfs*8) in the VPS13A gene. It is expected to result in an absent or disrupted protein product. Loss-of-function variants in VPS13A are known to be pathogenic (PMID: 12404112, 21598378). This variant is not present in population databases (gnomAD no frequency). This variant has not been reported in the literature in individuals affected with VPS13A-related conditions. ClinVar contains an entry for this variant (Variation ID: 1073923). For these reasons, this variant has been classified as Pathogenic.

Literature cited by the submitters: PubMed 12404112; PubMed 21598378.